The following is an entry in ClinVar:

NM_001267550.2(TTN):c.32970_32987del (p.10987_10989EEY[1])

Gene: TTN (titin; minus strand). Cytogenetic location: 2q31.2.
Variant type: Deletion.
Coding change: c.32970_32987del on transcript NM_001267550.2 (MANE Select); coding-DNA positions 32970 to 32987, 18 bases deleted (GGAATATGAAGAATATGA).
Protein change: p.10987_10989EEY[1].
Molecular consequence: inframe deletion. On other transcripts: intron variant (3).
Genome position (GRCh38, 1-based): chr2:178,682,804-178,682,821, TCATATTCTTCATATTCC deleted on the plus strand (GGAATATGAAGAATATGA on the coding strand, the reverse complement: TTN is on the minus strand); deleting any 18 consecutive bases within chr2:178,682,804-178,682,832 gives the same sequence; the c. name uses the placement nearest the transcript's 3' end. VCF-style (leftmost placement, unchanged base first): chr2-178682803-ATCATATTCTTCATATTCC-A. GRCh37 (hg19) VCF-style: chr2-179547530-ATCATATTCTTCATATTCC-A.
Other names: p.Glu10673_Tyr10678del; c.32019_32036delGGAATATGAAGAATATGA (NM_001256850.1); c.32019_32036del18 (NM_001256850.1); c.29238_29255del, p.9743_9745EEY[1] (NM_133378.4); c.13283-40504_13283-40487del (NM_003319.4); c.13859-40504_13859-40487del (NM_133437.4); c.13658-40504_13658-40487del (NM_133432.3); c.32970_32987delGGAATATGAAGAATATGA (NM_001267550.2); and 1 more.
Identifiers: ClinVar variation 194298 (VCV000194298.58), dbSNP rs766756026, ClinGen allele CA240194.

ClinVar aggregate classification (germline): Conflicting classifications of pathogenicity. Review status: criteria provided, conflicting classifications (1 of 4 stars). 9 submissions from 9 submitters: Uncertain significance (5); Likely benign (3). 1 of the submissions does not count toward it. Last evaluated 2025-05-09.

Conditions:
TTN-related disorder. Also called: TTN-related condition; TTN-related disease; TTN-related disorders.
Dilated cardiomyopathy 1G (CMD1G). Identifiers: Orphanet 154, MedGen C1858763, MONDO:0011400, OMIM 604145.
Autosomal recessive limb-girdle muscular dystrophy type 2J (LGMDR10). Also called: Limb-girdle muscular dystrophy, type 2J; MUSCULAR DYSTROPHY, LIMB-GIRDLE, AUTOSOMAL RECESSIVE 10. Identifiers: Orphanet 140922, MedGen C1837342, MONDO:0012127, OMIM 608807.
Cardiomyopathy (CMYO). Also called: Cardiomyopathies. Identifiers: Orphanet 167848, MedGen C0878544, MONDO:0004994, HP:0001638. Inheritance: Various modes of inheritance.

Submissions (9):

Mayo Clinic Laboratories, Mayo Clinic
Classification: Likely benign. Last evaluated: 2025-05-09. Review status: criteria provided, single submitter. Criteria: ACMG Guidelines, 2015. Collection method: clinical testing. Allele origin: germline. Observed: 1 variant allele.

Blueprint Genetics
Classification: Uncertain significance. Last evaluated: 2024-01-08. Review status: criteria provided, single submitter. Criteria: ACMG Guidelines, 2015. Collection method: clinical testing. Allele origin: germline.

CeGaT Center for Human Genetics Tuebingen
Classification: Uncertain significance. Last evaluated: 2023-12-01. Review status: criteria provided, single submitter. Criteria: CeGaT Center For Human Genetics Tuebingen Variant Classification Criteria Version 2. Collection method: clinical testing. Allele origin: germline. Affected: yes. Observed: 3 variant alleles.
Comment: TTN: PM4

GeneDx
Classification: Likely benign. Last evaluated: 2020-08-20. Review status: criteria provided, single submitter. Criteria: GeneDx Variant Classification Process June 2021. Collection method: clinical testing. Allele origin: germline. Affected: yes.

Molecular Diagnostic Laboratory for Inherited Cardiovascular Disease, Montreal Heart Institute
Classification: Likely benign. Last evaluated: 2020-03-01. Review status: criteria provided, single submitter. Criteria: ACMG Guidelines, 2015. Collection method: clinical testing. Allele origin: germline. Affected: yes.

Labcorp Genetics (formerly Invitae), Labcorp
Classification: Uncertain significance for Dilated cardiomyopathy 1G; Autosomal recessive limb-girdle muscular dystrophy type 2J. Last evaluated: 2016-10-25. Review status: criteria provided, single submitter. Criteria: Invitae Variant Classification Sherloc (09022015). Collection method: clinical testing. Allele origin: germline.

CHEO Genetics Diagnostic Laboratory, Children's Hospital of Eastern Ontario
Classification: Uncertain significance for Cardiomyopathy. Last evaluated: 2015-12-18. Review status: criteria provided, single submitter. Criteria: ACMG Guidelines, 2015. Collection method: clinical testing. Allele origin: germline. Study: Canadian Open Genetics Repository.

Eurofins Ntd Llc (ga)
Classification: Uncertain significance. Last evaluated: 2014-05-21. Review status: criteria provided, single submitter. Criteria: EGL Classification Definitions 2015. Collection method: clinical testing. Allele origin: germline. Observed: 3 variant alleles, 1 heterozygote.

PreventionGenetics, part of Exact Sciences
Classification: Likely benign for TTN-related condition. Last evaluated: 2022-08-04. Review status: no assertion criteria provided. Collection method: clinical testing. Allele origin: germline. Not counted in ClinVar's aggregate classification.
Comment: This variant is classified as likely benign based on ACMG/AMP sequence variant interpretation guidelines (Richards et al. 2015 PMID: 25741868, with internal and published modifications).